The following is an entry in ClinVar:

NM_000433.4(NCF2):c.482del (p.Lys161fs)

Gene: NCF2 (neutrophil cytosolic factor 2; minus strand). Cytogenetic location: 1q25.3.
Variant type: Deletion.
Coding change: c.482del on transcript NM_000433.4 (MANE Select); coding-DNA position 482, one base deleted (A; older notation c.482delA).
Protein change: p.Lys161fs; shifts the reading frame from lysine 161.
Molecular consequence: frameshift variant. On other transcripts: intron variant (2).
Genome position (GRCh38, 1-based): chr1:183,574,506, T deleted on the plus strand (A on the coding strand, the reverse complement: NCF2 is on the minus strand); the first of 2 consecutive T bases (chr1:183,574,506-183,574,507); deleting either gives the same sequence. VCF-style (leftmost placement, unchanged base first): chr1-183574505-CT-C. GRCh37 (hg19) VCF-style: chr1-183543640-CT-C.
Other names: c.482del, p.Lys161fs (NM_001127651.3); c.366+3093del (NM_001190789.2); c.367-1214del (NM_001190794.2); c.482delA (NM_000433.3); short protein forms K161fs.
Identifiers: ClinVar variation 569407 (VCV000569407.9), dbSNP rs1558098982, ClinGen allele CA891843108.

ClinVar aggregate classification (germline): Pathogenic (1 of 4 stars; one submission).

Conditions:
Granulomatous disease, chronic, autosomal recessive, cytochrome b-positive, type 2. Also called: Chronic granulomatous disease due to deficiency of NCF-2; GRANULOMATOUS DISEASE, CHRONIC, AUTOSOMAL RECESSIVE, 2; CGD, AUTOSOMAL RECESSIVE CYTOCHROME b-POSITIVE, TYPE II; GRANULOMATOUS DISEASE, CHRONIC, DUE TO NCF2 DEFICIENCY; Chronic Granulomatous Disease, Autosomal Recessive, Cytochrome b-Positive, Type II. Identifiers: Orphanet 379, MedGen C1856245, MONDO:0009310, OMIM 233710.

Submission:

Labcorp Genetics (formerly Invitae), Labcorp
Classification: Pathogenic for Granulomatous disease, chronic, autosomal recessive, cytochrome b-positive, type 2. Last evaluated: 2018-05-26. Review status: criteria provided, single submitter. Criteria: Invitae Variant Classification Sherloc (09022015). Collection method: clinical testing. Allele origin: germline.
Comment: Loss-of-function variants in NCF2 are known to be pathogenic (PMID: 10498624, 20167518). For these reasons, this variant has been classified as Pathogenic. This variant has been reported as homozygous in an individual affected with chronic granulomatous disease (CGD) (PMID: 20167518). This sequence change creates a premature translational stop signal (p.Lys161Argfs*16) in the NCF2 gene. It is expected to result in an absent or disrupted protein product. This variant is not present in population databases (ExAC no frequency).

Literature cited by the submitters: PubMed 10498624; PubMed 20167518.